The following is an entry in ClinVar:

NM_001277115.2(DNAH11):c.7472G>A (p.Arg2491His)

Gene: DNAH11 (dynein axonemal heavy chain 11; plus strand). Cytogenetic location: 7p15.3.
Variant type: single nucleotide variant.
Coding change: c.7472G>A on transcript NM_001277115.2 (MANE Select); coding-DNA position 7472, G replaced by A.
Protein change: p.Arg2491His; replaces arginine 2491 with histidine.
Molecular consequence: missense variant.
Genome position (GRCh38, 1-based): chr7:21,735,671, G>A. VCF-style: chr7-21735671-G-A. GRCh37 (hg19) VCF-style: chr7-21775289-G-A.
Other names: short protein forms R2491H.
Identifiers: ClinVar variation 410846 (VCV000410846.19), dbSNP rs369438218, ClinGen allele CA4181244.

ClinVar aggregate classification (germline): Conflicting classifications of pathogenicity. Review status: criteria provided, conflicting classifications (1 of 4 stars). 5 submissions from 5 submitters: Uncertain significance (4); Benign (1). Last evaluated 2025-06-22.

Conditions:
DNAH11-related disorder. Also called: DNAH11-related condition.
Primary ciliary dyskinesia. Also called: Ciliary dyskinesia. Identifiers: Orphanet 244, MedGen C0008780, MONDO:0016575, HP:0012265.

Allele frequency attached by ClinVar (database versions not stated): TOPMed 0.00015.
gnomAD v4.1: 148 of 1,606,722 alleles (0.0092%); highest among the groups gnomAD compares: African/African-American, 0.041%; no homozygotes.

Submissions (5):

GeneDx
Classification: Uncertain significance. Last evaluated: 2025-06-22. Review status: criteria provided, single submitter. Criteria: GeneDx Variant Classification Process June 2021. Collection method: clinical testing. Allele origin: germline. Affected: yes.
Comment: In silico analysis supports that this missense variant has a deleterious effect on protein structure/function; Has not been previously published as pathogenic or benign to our knowledge

Labcorp Genetics (formerly Invitae), Labcorp
Classification: Benign for Primary ciliary dyskinesia. Last evaluated: 2025-06-11. Review status: criteria provided, single submitter. Criteria: Invitae Variant Classification Sherloc (09022015). Collection method: clinical testing. Allele origin: germline.

Ambry Genetics
Classification: Uncertain significance for Primary ciliary dyskinesia. Last evaluated: 2024-06-14. Review status: criteria provided, single submitter. Criteria: Ambry Variant Classification Scheme 2023. Collection method: clinical testing. Allele origin: germline.

Blueprint Genetics
Classification: Uncertain significance. Last evaluated: 2023-12-13. Review status: criteria provided, single submitter. Criteria: ACMG Guidelines, 2015. Collection method: clinical testing. Allele origin: germline.

PreventionGenetics, part of Exact Sciences
Classification: Uncertain significance for DNAH11-related condition. Last evaluated: 2022-12-06. Review status: criteria provided, single submitter. Criteria: ACMG Guidelines, 2015. Collection method: clinical testing. Allele origin: germline.
Comment: The DNAH11 c.7472G>A variant is predicted to result in the amino acid substitution p.Arg2491His. To our knowledge, this variant has not been reported in the literature. Additionally, a different missense variant affecting this amino acid (p.Arg2491Pro), has been reported along with another pathogenic in the compound heterozygous state in an individual with primary ciliary dyskinesia (Table S3 - Fassad et al. 2020. PubMed ID: 31879361). This variant is reported in 0.043% of alleles in individuals of African descent in gnomAD. Although we suspect that this variant may be pathogenic, at this time, the clinical significance of this variant is uncertain due to the absence of conclusive functional and genetic evidence.